The following is an entry in ClinVar:

NM_001377.3(DYNC2H1):c.8145_8146delinsAT (p.Tyr2715_Gln2716delinsTer)

Gene: DYNC2H1 (dynein cytoplasmic 2 heavy chain 1; plus strand). Cytogenetic location: 11q22.3.
Variant type: Indel.
Coding change: c.8145_8146delinsAT on transcript NM_001377.3 (MANE Select); coding-DNA positions 8145 to 8146, CC replaced by AT.
Protein change: p.Tyr2715_Gln2716delinsTer.
Molecular consequence: nonsense.
Genome position (GRCh38, 1-based): chr11:103,200,102-103,200,103, CC replaced by AT. VCF-style: chr11-103200102-CC-AT. GRCh37 (hg19) VCF-style: chr11-103070831-CC-AT.
Other names: c.8145_8146delinsAT, p.Tyr2715_Gln2716delinsTer (NM_001080463.2).
Identifiers: ClinVar variation 598476 (VCV000598476.12), dbSNP rs1565390180, ClinGen allele CA913189396.

ClinVar aggregate classification (germline): Pathogenic/Likely pathogenic. Review status: criteria provided, multiple submitters, no conflicts (2 of 4 stars). 4 submissions from 4 submitters: Pathogenic (2); Likely pathogenic (2). Last evaluated 2024-05-21.

Conditions:
Jeune thoracic dystrophy. Also called: Jeune syndrome; Infantile thoracic dystrophy; Thoracic pelvic phalangeal dystrophy; Jeune's syndrome; Chondroectodermal dysplasia-like syndrome; Short-rib thoracic dysplasia. Identifiers: Orphanet 474, MedGen C0265275, MONDO:0018770.
Asphyxiating thoracic dystrophy 3. Also called: SHORT-RIB THORACIC DYSPLASIA 3 WITH OR WITHOUT POLYDACTYLY; POLYDACTYLY WITH NEONATAL CHONDRODYSTROPHY, TYPE I; SHORT-RIB THORACIC DYSPLASIA 3/6 WITH POLYDACTYLY, DIGENIC; Short rib polydactyly syndrome 2B; Saldino-Noonan Syndrome. Identifiers: Orphanet 474, Orphanet 93269, Orphanet 93270, Orphanet 93271, MedGen C0036069, MONDO:0013127, OMIM 613091.
DYNC2H1-related disorder. Also called: DYNC2H1-related disorders; DYNC2H1-related condition. Identifiers: MedGen CN378770.

Submissions (4):

Fulgent Genetics
Classification: Likely pathogenic for Asphyxiating thoracic dystrophy 3. Last evaluated: 2024-05-21. Review status: criteria provided, single submitter. Criteria: ACMG Guidelines, 2015. Collection method: clinical testing. Allele origin: germline.

Labcorp Genetics (formerly Invitae), Labcorp
Classification: Pathogenic for Jeune thoracic dystrophy. Last evaluated: 2024-02-02. Review status: criteria provided, single submitter. Criteria: Invitae Variant Classification Sherloc (09022015). Collection method: clinical testing. Allele origin: germline.
Comment: This sequence change creates a premature translational stop signal (p.Tyr2715*) in the DYNC2H1 gene. It is expected to result in an absent or disrupted protein product. Loss-of-function variants in DYNC2H1 are known to be pathogenic (PMID: 23339108, 32753734, 33755199). Information on the frequency of this variant in the gnomAD database is not available, as this variant may be reported differently in the database. This premature translational stop signal has been observed in individual(s) with asphyxiating thoracic dystrophy and/or short rib-polydactyly syndrome (PMID: 29068549; Invitae). ClinVar contains an entry for this variant (Variation ID: 598476). For these reasons, this variant has been classified as Pathogenic.

Blueprint Genetics
Classification: Likely pathogenic for DYNC2H1-related disorders. Last evaluated: 2023-04-28. Review status: criteria provided, single submitter. Criteria: ACMG Guidelines, 2015. Collection method: clinical testing. Allele origin: germline. Affected: yes. Observed: 3 variant alleles.

Eurofins Ntd Llc (ga)
Classification: Pathogenic. Last evaluated: 2018-08-17. Review status: criteria provided, single submitter. Criteria: EGL ClinVar v180209 classification definitions. Collection method: clinical testing. Allele origin: germline. Observed: 1 variant allele, 1 heterozygote.

Literature cited by the submitters: PubMed 23339108 (cited by Labcorp Genetics (formerly Invitae), Labcorp); PubMed 32753734 (cited by Labcorp Genetics (formerly Invitae), Labcorp); PubMed 33755199 (cited by Labcorp Genetics (formerly Invitae), Labcorp); PubMed 29068549 (cited by Labcorp Genetics (formerly Invitae), Labcorp).